The following is an entry in ClinVar:

ClinVar aggregate classification (germline): Uncertain significance. Review status: criteria provided, multiple submitters, no conflicts (2 of 4 stars). 3 submissions from 3 submitters: Uncertain significance (3). Last evaluated 2026-03-31.

Conditions:
Catecholaminergic polymorphic ventricular tachycardia (CVPT). Also called: Catecholamine-induced polymorphic ventricular tachycardia. Identifiers: Orphanet 3286, MedGen C5574922, MONDO:0017990.
Catecholaminergic polymorphic ventricular tachycardia 1. Also called: VENTRICULAR TACHYCARDIA, CATECHOLAMINERGIC POLYMORPHIC, 1, WITH OR WITHOUT ATRIAL DYSFUNCTION AND/OR DILATED CARDIOMYOPATHY; VENTRICULAR TACHYCARDIA, STRESS-INDUCED POLYMORPHIC 1; RYR2-Related Catecholaminergic Polymorphic Ventricular Tachycardia. Identifiers: Orphanet 3286, MedGen C1631597, MONDO:0011484, OMIM 604772.

Submissions (3):

Women's Health and Genetics/Laboratory Corporation of America, LabCorp
Classification: Uncertain significance. Last evaluated: 2026-03-31. Review status: criteria provided, single submitter. Criteria: LabCorp Variant Classification Summary - May 2015. Collection method: clinical testing. Allele origin: germline.
Comment: Variant summary: RYR2 c.3382C>G (p.Leu1128Val) results in a conservative amino acid change in the encoded protein sequence. Algorithms developed to predict the effect of missense changes on protein structure and function are either unavailable or do not agree on the potential impact of this missense change. The variant was absent in 249214 control chromosomes. The available data on variant occurrences in the general population are insufficient to allow any conclusion about variant significance. To our knowledge, no occurrence of c.3382C>G in individuals affected with RYR2-related conditions and no experimental evidence demonstrating its impact on protein function have been reported. ClinVar contains an entry for this variant (Variation ID: 2716013). Based on the evidence outlined above, the variant was classified as uncertain significance.

All of Us Research Program, National Institutes of Health
Classification: Uncertain significance for Catecholaminergic polymorphic ventricular tachycardia. Last evaluated: 2024-06-09. Review status: criteria provided, single submitter. Criteria: ACMG Guidelines, 2015. Collection method: clinical testing. Allele origin: germline. Inheritance: Autosomal dominant inheritance. Observed: 1 variant allele, 1 heterozygote.
Comment: This missense variant replaces leucine with valine at codon 1128 of the RYR2 protein. Computational prediction suggests that this variant may not impact protein structure and function (internally defined REVEL score threshold <= 0.5, PMID: 27666373). To our knowledge, functional studies have not been reported for this variant. This variant has not been reported in individuals affected with RYR2-related disorders in the literature. This variant has not been identified in the general population by the Genome Aggregation Database (gnomAD). The available evidence is insufficient to determine the role of this variant in disease conclusively. Therefore, this variant is classified as a Variant of Uncertain Significance.

This study involves interpretation of variants in research participants for the purpose of population health screening. Participant phenotype was not available at the time of variant classification. Additional details can be found in publication PMID: 35346344, PMCID: PMC8962531

Labcorp Genetics (formerly Invitae), Labcorp
Classification: Uncertain significance for Catecholaminergic polymorphic ventricular tachycardia 1. Last evaluated: 2022-11-07. Review status: criteria provided, single submitter. Criteria: Invitae Variant Classification Sherloc (09022015). Collection method: clinical testing. Allele origin: germline.
Comment: This sequence change replaces leucine, which is neutral and non-polar, with valine, which is neutral and non-polar, at codon 1128 of the RYR2 protein (p.Leu1128Val). This variant is not present in population databases (gnomAD no frequency). This variant has not been reported in the literature in individuals affected with RYR2-related conditions. Advanced modeling of protein sequence and biophysical properties (such as structural, functional, and spatial information, amino acid conservation, physicochemical variation, residue mobility, and thermodynamic stability) performed at Invitae indicates that this missense variant is not expected to disrupt RYR2 protein function. In summary, the available evidence is currently insufficient to determine the role of this variant in disease. Therefore, it has been classified as a Variant of Uncertain Significance.

NM_001035.3(RYR2):c.3382C>G (p.Leu1128Val)

Gene: RYR2 (ryanodine receptor 2; plus strand). Cytogenetic location: 1q43.
Variant type: single nucleotide variant.
Coding change: c.3382C>G on transcript NM_001035.3 (MANE Select); coding-DNA position 3382, C replaced by G.
Protein change: p.Leu1128Val; replaces leucine 1128 with valine.
Molecular consequence: missense variant.
Genome position (GRCh38, 1-based): chr1:237,566,734, C>G. VCF-style: chr1-237566734-C-G. GRCh37 (hg19) VCF-style: chr1-237730034-C-G.
Other names: short protein forms L1128V.
Identifiers: ClinVar variation 2716013 (VCV002716013.5), dbSNP rs2546425885, ClinGen allele CA345398773.